The following is an entry in ClinVar:

ClinVar aggregate classification (germline): Uncertain significance (1 of 4 stars; one submission).

gnomAD v4.1: 1 of 1,613,472 alleles (0.000062%); highest among the groups gnomAD compares: Non-Finnish European, 0.000085%; no homozygotes.

Submission:

GeneDx
Classification: Uncertain significance. Last evaluated: 2024-03-12. Review status: criteria provided, single submitter. Criteria: GeneDx Variant Classification Process June 2021. Collection method: clinical testing. Allele origin: germline. Affected: yes.
Comment: Nonsense variant predicted to result in protein truncation or nonsense mediated decay in a gene or region of a gene for which loss of function is not a well-established mechanism of disease; Not observed at significant frequency in large population cohorts (gnomAD); Has not been previously published as pathogenic or benign to our knowledge

NM_007192.4(SUPT16H):c.1420C>T (p.Arg474Ter)

Gene: SUPT16H (SPT16 homolog, facilitates chromatin remodeling subunit; minus strand). Cytogenetic location: 14q11.2.
Variant type: single nucleotide variant.
Coding change: c.1420C>T on transcript NM_007192.4 (MANE Select); coding-DNA position 1420, C replaced by T.
Protein change: p.Arg474Ter; replaces arginine 474 with a stop codon.
Molecular consequence: nonsense.
Genome position (GRCh38, 1-based): chr14:21,363,125, G>A on the plus strand (C>T on the coding strand, the complement: SUPT16H is on the minus strand). VCF-style: chr14-21363125-G-A. GRCh37 (hg19) VCF-style: chr14-21831284-G-A.
Other names: short protein forms R474*.
Identifiers: ClinVar variation 3370650 (VCV003370650.1).
Genomic context (GRCh38, chr14:21,363,125, plus strand): 5'-TCAATCGCCTCTTTGCTTCTTCATTGAGTTGAGCCGCTAGTTCTTTCTGATGTGCTCTTC[G>A]CTTCTCTTCTGCAGTCATTTCATTCTGGTGAATGGAAAATCCAATTTATCACAACACGTG-3'